The following is an entry in ClinVar:

ClinVar aggregate classification (germline): Uncertain significance (1 of 4 stars; one submission).

Submission:

Labcorp Genetics (formerly Invitae), Labcorp
Classification: Uncertain significance. Last evaluated: 2022-11-14. Review status: criteria provided, single submitter. Criteria: Invitae Variant Classification Sherloc (09022015). Collection method: clinical testing. Allele origin: germline.
Comment: In summary, the available evidence is currently insufficient to determine the role of this variant in disease. Therefore, it has been classified as a Variant of Uncertain Significance. Advanced modeling of protein sequence and biophysical properties (such as structural, functional, and spatial information, amino acid conservation, physicochemical variation, residue mobility, and thermodynamic stability) performed at Invitae indicates that this missense variant is not expected to disrupt ADGRV1 protein function. ClinVar contains an entry for this variant (Variation ID: 1402415). This variant has not been reported in the literature in individuals affected with ADGRV1-related conditions. This variant is not present in population databases (gnomAD no frequency). This sequence change replaces asparagine, which is neutral and polar, with lysine, which is basic and polar, at codon 5645 of the ADGRV1 protein (p.Asn5645Lys).

NM_032119.4(ADGRV1):c.16935C>G (p.Asn5645Lys)

Gene: ADGRV1 (adhesion G protein-coupled receptor V1; plus strand). Cytogenetic location: 5q14.3.
Variant type: single nucleotide variant.
Coding change: c.16935C>G on transcript NM_032119.4 (MANE Select); coding-DNA position 16935, C replaced by G.
Protein change: p.Asn5645Lys; replaces asparagine 5645 with lysine.
Molecular consequence: missense variant. On other transcripts: non-coding transcript variant (1).
Genome position (GRCh38, 1-based): chr5:90,840,901, C>G. VCF-style: chr5-90840901-C-G. GRCh37 (hg19) VCF-style: chr5-90136718-C-G.
Other names: short protein forms N5645K.
Identifiers: ClinVar variation 1402415 (VCV001402415.6), dbSNP rs2150360155, ClinGen allele CA360428830.